The following is an entry in ClinVar:

ClinVar aggregate classification (germline): Uncertain significance (1 of 4 stars; one submission).

Conditions:
Tuberous sclerosis 2 (TSC2). Identifiers: Orphanet 805, MedGen C1860707, MONDO:0013199, OMIM 613254.

Submission:

Labcorp Genetics (formerly Invitae), Labcorp
Classification: Uncertain significance for Tuberous sclerosis 2. Last evaluated: 2025-05-27. Review status: criteria provided, single submitter. Criteria: Invitae Variant Classification Sherloc (09022015). Collection method: clinical testing. Allele origin: germline.
Comment: This sequence change replaces leucine, which is neutral and non-polar, with proline, which is neutral and non-polar, at codon 1767 of the TSC2 protein (p.Leu1767Pro). This variant is not present in population databases (gnomAD no frequency). This variant has not been reported in the literature in individuals affected with TSC2-related conditions. Invitae Evidence Modeling of protein sequence and biophysical properties (such as structural, functional, and spatial information, amino acid conservation, physicochemical variation, residue mobility, and thermodynamic stability) indicates that this missense variant is not expected to disrupt TSC2 protein function with a negative predictive value of 95%. In summary, the available evidence is currently insufficient to determine the role of this variant in disease. Therefore, it has been classified as a Variant of Uncertain Significance.

NM_000548.5(TSC2):c.5300T>C (p.Leu1767Pro)

Gene: TSC2 (TSC complex subunit 2; plus strand). Cytogenetic location: 16p13.3.
Variant type: single nucleotide variant.
Coding change: c.5300T>C on transcript NM_000548.5 (MANE Select); coding-DNA position 5300, T replaced by C.
Protein change: p.Leu1767Pro; replaces leucine 1767 with proline.
Molecular consequence: missense variant. On other transcripts: non-coding transcript variant (5).
Genome position (GRCh38, 1-based): chr16:2,088,486, T>C. VCF-style: chr16-2088486-T-C. GRCh37 (hg19) VCF-style: chr16-2138487-T-C.
Other names: c.3824T>C, p.Leu1275Pro (NM_001406691.1); c.3758T>C, p.Leu1253Pro (NM_001406692.1, NM_001406693.1, NM_001406694.1); c.3755T>C, p.Leu1252Pro (NM_001406695.1, NM_001406696.1, NM_001406697.1); c.3497T>C, p.Leu1166Pro (NM_001406698.1); c.5171T>C, p.Leu1724Pro (NM_021055.3); c.5099T>C, p.Leu1700Pro (NM_001077183.3); c.5231T>C, p.Leu1744Pro (NM_001114382.3); c.4991T>C, p.Leu1664Pro (NM_001318827.2); and 27 more; short protein forms L1253P, L1501P, L1766P, L1252P, L1275P, L1296P, L1547P, L1651P.
Identifiers: ClinVar variation 4764298 (VCV004764298.1).